The following is an entry in ClinVar:

NM_001039660.2(IL18BP):c.359+11C>T

Gene: IL18BP (interleukin 18 binding protein; plus strand). Cytogenetic location: 11q13.4.
Variant type: single nucleotide variant.
Coding change: c.359+11C>T on transcript NM_001039660.2 (MANE Select); 11 bases into the intron after coding-DNA position 359, C replaced by T.
Molecular consequence: intron variant.
Genome position (GRCh38, 1-based): chr11:72,001,335, C>T. VCF-style: chr11-72001335-C-T. GRCh37 (hg19) VCF-style: chr11-71712381-C-T.
Other names: c.359+11C>T (NM_001039659.2, NM_173044.3, NM_005699.3 and 2 more transcripts); c.236-449C>T (NM_001145055.1).
Identifiers: ClinVar variation 2776896 (VCV002776896.3), dbSNP rs757344159, ClinGen allele CA6166201.

ClinVar aggregate classification (germline): Uncertain significance (1 of 4 stars; one submission).

Allele frequency attached by ClinVar (database versions not stated): ExAC 0.00001; gnomAD exomes 0.00002.
gnomAD v4.1: 12 of 1,614,234 alleles (0.00074%); highest among the groups gnomAD compares: East Asian, 0.027%; no homozygotes.

Submission:

Labcorp Genetics (formerly Invitae), Labcorp
Classification: Uncertain significance. Last evaluated: 2023-07-29. Review status: criteria provided, single submitter. Criteria: Invitae Variant Classification Sherloc (09022015). Collection method: clinical testing. Allele origin: germline.
Comment: In summary, the available evidence is currently insufficient to determine the role of this variant in disease. Therefore, it has been classified as a Variant of Uncertain Significance. This variant has not been reported in the literature in individuals affected with IL18BP-related conditions. This variant is present in population databases (rs757344159, gnomAD 0.02%). This sequence change falls in intron 3 of the IL18BP gene. It does not directly change the encoded amino acid sequence of the IL18BP protein.